The following is an entry in ClinVar:

NM_004006.3(DMD):c.5078_5079AGA[2]CGTGCTTAAGGTAGCAAATAAAATATGAAAAGTAATGTCCAAATTGTACAG[1] (p.Trp1694delinsLysThrCysLeuArgTer)

Gene: DMD (dystrophin; minus strand). Cytogenetic location: Xp21.1.
Variant type: Insertion.
Coding change: c.5078_5079AGA[2]CGTGCTTAAGGTAGCAAATAAAATATGAAAAGTAATGTCCAAATTGTACAG[1] on transcript NM_004006.3 (MANE Select).
Protein change: p.Trp1694delinsLysThrCysLeuArgTer.
Molecular consequence: nonsense.
Genome position: GRCh38: chrX:32,364,658-32,364,659. GRCh37 (hg19): chrX:32,382,775-32,382,776.
Other names: c.5054_5055AGA[2]CGTGCTTAAGGTAGCAAATAAAATATGAAAAGTAATGTCCAAATTGTACAG[1], p.Trp1686delinsLysThrCysLeuArgTer (NM_000109.4); c.5066_5067AGA[2]CGTGCTTAAGGTAGCAAATAAAATATGAAAAGTAATGTCCAAATTGTACAG[1], p.Trp1690delinsLysThrCysLeuArgTer (NM_004009.3); c.4709_4710AGA[2]CGTGCTTAAGGTAGCAAATAAAATATGAAAAGTAATGTCCAAATTGTACAG[1], p.Trp1571delinsLysThrCysLeuArgTer (NM_004010.3); c.1055_1056AGA[2]CGTGCTTAAGGTAGCAAATAAAATATGAAAAGTAATGTCCAAATTGTACAG[1], p.Trp353delinsLysThrCysLeuArgTer (NM_004011.4); c.1046_1047AGA[2]CGTGCTTAAGGTAGCAAATAAAATATGAAAAGTAATGTCCAAATTGTACAG[1], p.Trp350delinsLysThrCysLeuArgTer (NM_004012.4).
Identifiers: ClinVar variation 2756488 (VCV002756488.3), dbSNP rs2522551580, ClinGen allele CA2697552968.

ClinVar aggregate classification (germline): Pathogenic (1 of 4 stars; one submission).

Conditions:
Duchenne muscular dystrophy (DMD). Also called: MUSCULAR DYSTROPHY, PSEUDOHYPERTROPHIC PROGRESSIVE, DUCHENNE TYPE; Duchenne Muscular Dystrophy (DMD). Identifiers: Orphanet 98896, MedGen C0013264, MONDO:0010679, OMIM 310200.

Submission:

Labcorp Genetics (formerly Invitae), Labcorp
Classification: Pathogenic for Duchenne muscular dystrophy. Last evaluated: 2023-08-30. Review status: criteria provided, single submitter. Criteria: Invitae Variant Classification Sherloc (09022015). Collection method: clinical testing. Allele origin: germline.
Comment: For these reasons, this variant has been classified as Pathogenic. This variant has not been reported in the literature in individuals affected with DMD-related conditions. This variant is not present in population databases (gnomAD no frequency). This sequence change creates a premature translational stop signal (p.Trp1694Lysfs*6) in the DMD gene. It is expected to result in an absent or disrupted protein product. Loss-of-function variants in DMD are known to be pathogenic (PMID: 16770791, 25007885).

Literature cited by the submitters: PubMed 16770791; PubMed 25007885.